The following is an entry in ClinVar:

NM_014297.5(ETHE1):c.586G>A (p.Asp196Asn)

Gene: ETHE1 (ETHE1 persulfide dioxygenase; minus strand). Cytogenetic location: 19q13.31.
Variant type: single nucleotide variant.
Coding change: c.586G>A on transcript NM_014297.5 (MANE Select); coding-DNA position 586, G replaced by A.
Protein change: p.Asp196Asn; replaces aspartic acid 196 with asparagine.
Molecular consequence: missense variant.
Genome position (GRCh38, 1-based): chr19:43,508,784, C>T on the plus strand (G>A on the coding strand, the complement: ETHE1 is on the minus strand). VCF-style: chr19-43508784-C-T. GRCh37 (hg19) VCF-style: chr19-44012936-C-T.
Other names: c.553G>A, p.Asp185Asn (NM_001320867.2); c.217G>A, p.Asp73Asn (NM_001320868.2); c.292G>A, p.Asp98Asn (NM_001320869.2); short protein forms D196N, D98N, D185N, D73N.
Identifiers: ClinVar variation 488508 (VCV000488508.35), dbSNP rs763799125, ClinGen allele CA9487819.

ClinVar aggregate classification (germline): Pathogenic/Likely pathogenic. Review status: criteria provided, multiple submitters, no conflicts (2 of 4 stars). 9 submissions from 9 submitters: Pathogenic (1); Likely pathogenic (6). 2 of the submissions do not count toward it. Last evaluated 2025-12-08.

Conditions:
Ethylmalonic encephalopathy (EE). Also called: EPEMA syndrome; Encephalopathy, petechiae, and ethylmalonic aciduria; Syndrome of encephalopathy, petechiae, and ethylmalonic aciduria. Identifiers: Orphanet 51188, MedGen C1865349, MONDO:0011229, OMIM 602473. Disease mechanism: loss of function.

Allele frequency attached by ClinVar (database versions not stated): gnomAD exomes 0.00001 and 0.00003; ExAC 0.00002.
gnomAD v4.1: 13 of 1,603,002 alleles (0.00081%); highest among the groups gnomAD compares: Non-Finnish European, 0.001%; no homozygotes.

Submissions (9):

3billion
Classification: Likely pathogenic for Ethylmalonic encephalopathy. Last evaluated: 2025-12-08. Review status: criteria provided, single submitter. Criteria: ACMG Guidelines, 2015. Collection method: clinical testing. Allele origin: germline. Affected: yes.
Comment: The variant is observed at an extremely low frequency in the gnomAD v4.1.0 dataset (total allele frequency: <0.001%). Predicted Consequence/Location: Missense variant In silico tool predictions suggest damaging effect of the variant on gene or gene product [REVEL: 0.73 (>=0.6, sensitivity 0.68 and specificity 0.92); 3Cnet: 0.99 (> 0.75, sensitivity 0.96 and precision 0.92)]. The same nucleotide change resulting in the same amino acid change has been previously reported as pathogenic/likely pathogenic with strong evidence (ClinVar ID: VCV000488508 /PMID: 18593870 /3billion dataset). A different missense change at the same codon (p.Asp196His) has been reported as pathogenic/likely pathogenic with strong evidence (ClinVar ID: VCV002675146 /PMID: 32362910). Therefore, this variant is classified as Likely pathogenic according to the recommendation of ACMG/AMP guideline.

CeGaT Center for Human Genetics Tuebingen
Classification: Likely pathogenic. Last evaluated: 2025-06-01. Review status: criteria provided, single submitter. Criteria: CeGaT Center For Human Genetics Tuebingen Variant Classification Criteria Version 2. Collection method: clinical testing. Allele origin: germline. Affected: yes. Observed: 4 variant alleles.
Comment: ETHE1: PM2, PM3, PM5, PS3:Supporting

Labcorp Genetics (formerly Invitae), Labcorp
Classification: Likely pathogenic for Ethylmalonic encephalopathy. Last evaluated: 2025-01-15. Review status: criteria provided, single submitter. Criteria: Invitae Variant Classification Sherloc (09022015). Collection method: clinical testing. Allele origin: germline.
Comment: This sequence change replaces aspartic acid, which is acidic and polar, with asparagine, which is neutral and polar, at codon 196 of the ETHE1 protein (p.Asp196Asn). This variant is present in population databases (rs763799125, gnomAD 0.006%). This missense change has been observed in individuals with ethylmalonic encephalopathy (PMID: 18593870, 36891747). ClinVar contains an entry for this variant (Variation ID: 488508). Invitae Evidence Modeling of protein sequence and biophysical properties (such as structural, functional, and spatial information, amino acid conservation, physicochemical variation, residue mobility, and thermodynamic stability) indicates that this missense variant is not expected to disrupt ETHE1 protein function with a negative predictive value of 80%. Experimental studies have shown that this missense change affects ETHE1 function (PMID: 23144459). This variant disrupts the p.Asp196 amino acid residue in ETHE1. Other variant(s) that disrupt this residue have been determined to be pathogenic (PMID: 32362910). This suggests that this residue is clinically significant, and that variants that disrupt this residue are likely to be disease-causing. In summary, the currently available evidence indicates that the variant is pathogenic, but additional data are needed to prove that conclusively. Therefore, this variant has been classified as Likely Pathogenic.

GeneDx
Classification: Likely pathogenic. Last evaluated: 2024-08-15. Review status: criteria provided, single submitter. Criteria: GeneDx Variant Classification Process June 2021. Collection method: clinical testing. Allele origin: germline. Affected: yes.
Comment: Published functional studies suggest a damaging effect resulting from a higher affinity of the enzyme for its substrate (PMID: 23144459); Not observed at significant frequency in large population cohorts (gnomAD); In silico analysis supports that this missense variant has a deleterious effect on protein structure/function; This variant is associated with the following publications: (PMID: 18593870, Sloan-Heggen2023[Abstract], 36891747, 23144459)

Baylor Genetics
Classification: Likely pathogenic for Ethylmalonic encephalopathy. Last evaluated: 2024-02-06. Review status: criteria provided, single submitter. Criteria: ACMG Guidelines, 2015. Collection method: clinical testing. Allele origin: unknown.

Centre for Mendelian Genomics, University Medical Centre Ljubljana
Classification: Likely pathogenic for Ethylmalonic encephalopathy. Last evaluated: 2019-05-16. Review status: criteria provided, single submitter. Criteria: ACMG Guidelines, 2015. Collection method: clinical testing. Allele origin: unknown. Affected: yes.
Comment: This variant was classified as: Likely pathogenic. The following ACMG criteria were applied in classifying this variant: PS1,PM2,PP2,PP3.

Institute of Human Genetics Munich, TUM University Hospital
Classification: Pathogenic for Ethylmalonic encephalopathy. Last evaluated: 2017-11-16. Review status: criteria provided, single submitter. Criteria: Classification criteria August 2017. Collection method: clinical testing. Allele origin: maternal. Inheritance: Autosomal recessive inheritance. Affected: yes. Observed: 1 compound heterozygote.

OMIM
Classification: Pathogenic for ENCEPHALOPATHY, ETHYLMALONIC. Last evaluated: 2024-10-21. Review status: no assertion criteria provided. Collection method: literature only. Allele origin: germline. Not counted in ClinVar's aggregate classification.

GeneReviews
No classification provided. Condition: Ethylmalonic encephalopathy. Review status: no classification provided. Collection method: literature only. Allele origin: germline. Not counted in ClinVar's aggregate classification.

Literature cited by the submitters: PubMed 32362910 (cited by 3billion and Labcorp Genetics (formerly Invitae), Labcorp); PubMed 18593870 (cited by 3billion and Labcorp Genetics (formerly Invitae), Labcorp); PubMed 36891747 (cited by Labcorp Genetics (formerly Invitae), Labcorp and OMIM); PubMed 23144459 (cited by Labcorp Genetics (formerly Invitae), Labcorp); NCBI Bookshelf NBK453432 (cited by GeneReviews); PubMed 28933811 (cited by GeneReviews).